The following is an entry in ClinVar:

NM_018133.4(MSL2):c.110A>C (p.Tyr37Ser)

Gene: MSL2 (MSL complex subunit 2; minus strand). Cytogenetic location: 3q22.3.
Variant type: single nucleotide variant.
Coding change: c.110A>C on transcript NM_018133.4 (MANE Select); coding-DNA position 110, A replaced by C.
Protein change: p.Tyr37Ser; replaces tyrosine 37 with serine.
Molecular consequence: missense variant.
Genome position (GRCh38, 1-based): chr3:136,195,004, T>G on the plus strand (A>C on the coding strand, the complement: MSL2 is on the minus strand). VCF-style: chr3-136195004-T-G. GRCh37 (hg19) VCF-style: chr3-135913846-T-G.
Other names: short protein forms Y37S.
Identifiers: ClinVar variation 3906780 (VCV003906780.1).

ClinVar aggregate classification (germline): Uncertain significance (1 of 4 stars; one submission).

Submission:

GeneDx
Classification: Uncertain significance. Last evaluated: 2024-12-18. Review status: criteria provided, single submitter. Criteria: GeneDx Variant Classification Process June 2021. Collection method: clinical testing. Allele origin: germline. Affected: yes.
Comment: Not observed at significant frequency in large population cohorts (gnomAD); In silico analysis supports that this missense variant has a deleterious effect on protein structure/function; Has not been previously published as pathogenic or benign to our knowledge